The following is an entry in ClinVar:

ClinVar aggregate classification (germline): Uncertain significance (1 of 4 stars; one submission).

Conditions:
Spastic paraplegia. Identifiers: MedGen C0037772, HP:0001258.

Allele frequency attached by ClinVar (database versions not stated): gnomAD exomes below 0.00001.
gnomAD v4.1: 4 of 1,261,312 alleles (0.00032%); highest among the groups gnomAD compares: Non-Finnish European, 0.0003%; no homozygotes.

Submission:

Labcorp Genetics (formerly Invitae), Labcorp
Classification: Uncertain significance for Spastic paraplegia. Last evaluated: 2025-04-14. Review status: criteria provided, single submitter. Criteria: Invitae Variant Classification Sherloc (09022015). Collection method: clinical testing. Allele origin: germline.
Comment: This sequence change replaces proline, which is neutral and non-polar, with leucine, which is neutral and non-polar, at codon 4 of the CYP2U1 protein (p.Pro4Leu). This variant is not present in population databases (gnomAD no frequency). This variant has not been reported in the literature in individuals affected with CYP2U1-related conditions. ClinVar contains an entry for this variant (Variation ID: 2137677). Invitae Evidence Modeling of protein sequence and biophysical properties (such as structural, functional, and spatial information, amino acid conservation, physicochemical variation, residue mobility, and thermodynamic stability) has been performed for this missense variant. However, the output from this modeling did not meet the statistical confidence thresholds required to predict the impact of this variant on CYP2U1 protein function. In summary, the available evidence is currently insufficient to determine the role of this variant in disease. Therefore, it has been classified as a Variant of Uncertain Significance.

NM_183075.3(CYP2U1):c.11C>T (p.Pro4Leu)

Genes: CYP2U1 (cytochrome P450 family 2 subfamily U member 1; plus strand), CYP2U1-AS1 (CYP2U1 and SGMS2 antisense RNA 1; minus strand). Cytogenetic location: 4q25.
Variant type: single nucleotide variant.
Coding change: c.11C>T on transcript NM_183075.3 (MANE Select); coding-DNA position 11, C replaced by T.
Protein change: p.Pro4Leu; replaces proline 4 with leucine.
Molecular consequence: missense variant.
Genome position (GRCh38, 1-based): chr4:107,931,654, C>T. VCF-style: chr4-107931654-C-T. GRCh37 (hg19) VCF-style: chr4-108852810-C-T.
Other names: short protein forms P4L.
Identifiers: ClinVar variation 2137677 (VCV002137677.4), dbSNP rs1408560519, ClinGen allele CA357831394.
Genomic context (GRCh38, chr4:107,931,654, plus strand): 5'-GCGTCTCCTCCAGGCAGCAAGGGGAACCCGAGGCCGCCGGCGCCCGGACCATGTCGTCTC[C>T]GGGGCCGTCGCAGCCGCCGGCCGAGGACCCGCCCTGGCCCGCGCGCCTCCTGCGTGCGCC-3'
Protein context (NP_898898.1, residues 1-14): MSS[Pro4Leu]GPSQPPAEDP